The following is an entry in ClinVar:

NM_000038.6(APC):c.2286A>G (p.Ala762=)

Gene: APC (APC regulator of Wnt signaling pathway; plus strand). Cytogenetic location: 5q22.2.
Variant type: single nucleotide variant.
Coding change: c.2286A>G on transcript NM_000038.6 (MANE Select); coding-DNA position 2286, A replaced by G.
Protein change: p.Ala762=; no amino-acid change (alanine 762 retained).
Molecular consequence: synonymous variant.
Genome position (GRCh38, 1-based): chr5:112,837,880, A>G. VCF-style: chr5-112837880-A-G. GRCh37 (hg19) VCF-style: chr5-112173577-A-G.
Other names: c.2286A>G, p.Ala762= (NM_001127510.3, NM_001354895.2); c.2232A>G, p.Ala744= (NM_001127511.3); c.2340A>G, p.Ala780= (NM_001354896.2); c.2316A>G, p.Ala772= (NM_001354897.2); c.2211A>G, p.Ala737= (NM_001354898.2); c.2202A>G, p.Ala734= (NM_001354899.2); c.2163A>G, p.Ala721= (NM_001354900.2); c.2109A>G, p.Ala703= (NM_001354901.2); and 5 more.
Identifiers: ClinVar variation 1132448 (VCV001132448.13), dbSNP rs1424396565, ClinGen allele CA445963321.

ClinVar aggregate classification (germline): Benign/Likely benign. Review status: criteria provided, multiple submitters, no conflicts (2 of 4 stars). 3 submissions from 3 submitters: Benign (1); Likely benign (2). Last evaluated 2026-06-22.

Conditions:
Familial adenomatous polyposis 1 (FAP1). Also called: POLYPOSIS, ADENOMATOUS INTESTINAL; FAMILIAL ADENOMATOUS POLYPOSIS 1, ATTENUATED. Identifiers: MedGen C2713442, MONDO:0021056, OMIM 175100. Disease mechanism: loss of function.
Hereditary cancer-predisposing syndrome. Also called: Neoplastic Syndromes, Hereditary; Tumor predisposition; Hereditary Cancer Syndrome; Hereditary neoplastic syndrome. Identifiers: Orphanet 140162, MedGen C0027672, MeSH D009386, MONDO:0015356.

Submissions (3):

Ambry Genetics
Classification: Likely benign for Hereditary cancer-predisposing syndrome. Last evaluated: 2026-06-22. Review status: criteria provided, single submitter. Criteria: Ambry Variant Classification Scheme 2023. Collection method: clinical testing. Allele origin: germline.

Labcorp Genetics (formerly Invitae), Labcorp
Classification: Likely benign for Familial adenomatous polyposis 1. Last evaluated: 2024-12-12. Review status: criteria provided, single submitter. Criteria: Invitae Variant Classification Sherloc (09022015). Collection method: clinical testing. Allele origin: germline.

Myriad Genetics, Inc.
Classification: Benign for Familial adenomatous polyposis 1. Last evaluated: 2024-03-11. Review status: criteria provided, single submitter. Criteria: Myriad Autosomal Dominant, Autosomal Recessive and X-Linked Classification Criteria (2023). Collection method: clinical testing. Allele origin: unknown.
Comment: This variant is considered benign. This variant is a silent/synonymous amino acid change and it is not expected to impact splicing.